The following is an entry in ClinVar:

NM_001853.4(COL9A3):c.1777G>A (p.Gly593Arg)

Gene: COL9A3 (collagen type IX alpha 3 chain; plus strand). Cytogenetic location: 20q13.33.
Variant type: single nucleotide variant.
Coding change: c.1777G>A on transcript NM_001853.4 (MANE Select); coding-DNA position 1777, G replaced by A.
Protein change: p.Gly593Arg; replaces glycine 593 with arginine.
Molecular consequence: missense variant.
Genome position (GRCh38, 1-based): chr20:62,837,256, G>A. VCF-style: chr20-62837256-G-A. GRCh37 (hg19) VCF-style: chr20-61468608-G-A.
Other names: c.1777G>A (NM_001853.3); short protein forms G593R.
Identifiers: ClinVar variation 1443349 (VCV001443349.30), dbSNP rs1007898382, ClinGen allele CA317344322.

ClinVar aggregate classification (germline): Uncertain significance. Review status: criteria provided, multiple submitters, no conflicts (2 of 4 stars). 3 submissions from 3 submitters: Uncertain significance (3). Last evaluated 2024-05-07.

Allele frequency attached by ClinVar (database versions not stated): gnomAD exomes 0.00001; gnomAD 0.00003; TOPMed 0.00003.
gnomAD v4.1: 24 of 1,610,014 alleles (0.0015%); highest among the groups gnomAD compares: African/African-American, 0.0067%; no homozygotes.

Submissions (3):

GeneDx
Classification: Uncertain significance. Last evaluated: 2024-05-07. Review status: criteria provided, single submitter. Criteria: GeneDx Variant Classification Process June 2021. Collection method: clinical testing. Allele origin: germline. Affected: yes.
Comment: Not observed at significant frequency in large population cohorts (gnomAD); In silico analysis supports that this missense variant has a deleterious effect on protein structure/function; Has not been previously published as pathogenic or benign to our knowledge

Labcorp Genetics (formerly Invitae), Labcorp
Classification: Uncertain significance. Last evaluated: 2023-11-27. Review status: criteria provided, single submitter. Criteria: Invitae Variant Classification Sherloc (09022015). Collection method: clinical testing. Allele origin: germline.
Comment: This sequence change replaces glycine, which is neutral and non-polar, with arginine, which is basic and polar, at codon 593 of the COL9A3 protein (p.Gly593Arg). The frequency data for this variant in the population databases is considered unreliable, as metrics indicate poor data quality at this position in the gnomAD database. This variant has not been reported in the literature in individuals affected with COL9A3-related conditions. ClinVar contains an entry for this variant (Variation ID: 1443349). Advanced modeling of protein sequence and biophysical properties (such as structural, functional, and spatial information, amino acid conservation, physicochemical variation, residue mobility, and thermodynamic stability) performed at Invitae indicates that this missense variant is expected to disrupt COL9A3 protein function with a positive predictive value of 95%. In summary, the available evidence is currently insufficient to determine the role of this variant in disease. Therefore, it has been classified as a Variant of Uncertain Significance.

CeGaT Center for Human Genetics Tuebingen
Classification: Uncertain significance. Last evaluated: 2022-12-01. Review status: criteria provided, single submitter. Criteria: CeGaT Center For Human Genetics Tuebingen Variant Classification Criteria Version 2. Collection method: clinical testing. Allele origin: germline. Affected: yes. Observed: 1 variant allele.
Comment: COL9A3: PP3